The following is an entry in ClinVar:

ClinVar aggregate classification (germline): Pathogenic/Likely pathogenic. Review status: criteria provided, multiple submitters, no conflicts (2 of 4 stars). 6 submissions from 6 submitters: Pathogenic (1); Likely pathogenic (5). Last evaluated 2024-08-06.

Conditions:
DNM2-related disorders.
Inborn genetic diseases. Identifiers: MedGen C0950123, MeSH D030342.
Sensorimotor neuropathy. Identifiers: MedGen C1112256, HP:0007141.
Charcot-Marie-Tooth disease dominant intermediate B (CMTDIB). Also called: CHARCOT-MARIE-TOOTH NEUROPATHY, DOMINANT INTERMEDIATE B; Charcot-Marie-Tooth disease dominant intermediate 1; CMT DI1; Charcot-Marie-Tooth disease dominant intermediate I. Identifiers: Orphanet 100044, Orphanet 228179, MedGen C1847902, MONDO:0011674, OMIM 606482.

Submissions (6):

Blueprint Genetics
Classification: Likely pathogenic for DNM2-related disorders. Last evaluated: 2024-08-06. Review status: criteria provided, single submitter. Criteria: ACMG Guidelines, 2015. Collection method: clinical testing. Allele origin: germline. Affected: yes. Observed: 1 variant allele.

Ambry Genetics
Classification: Likely pathogenic for Inborn genetic diseases. Last evaluated: 2023-06-02. Review status: criteria provided, single submitter. Criteria: Ambry Variant Classification Scheme 2023. Collection method: clinical testing. Allele origin: germline.
Comment: The c.1609G>A (p.G537S) alteration is located in exon 15 (coding exon 15) of the DNM2 gene. This alteration results from a G to A substitution at nucleotide position 1609, causing the glycine (G) at amino acid position 537 to be replaced by a serine (S)._x000D_ _x000D_ Based on the available evidence, the DNM2 c.1609G>A (p.G537S) alteration is classified as likely pathogenic for DNM2-related Charcot-Marie-Tooth disease; however, its clinical significance for DNM2-related centronuclear myopathy is unclear. This variant was not reported in population-based cohorts in the Genome Aggregation Database (gnomAD). This variant has been reported in the heterozygous state in multiple individuals with features consistent with DNM2-related Charcot-Marie-Tooth disease (San Luis, 2022; Bacquet, 2018; Ambry internal data). In addition, this alteration has been reported as de novo in one individual with a clinical diagnosis of Charcot-Marie-Tooth disease (external communication). This amino acid position is highly conserved in available vertebrate species. The in silico prediction for this alteration is inconclusive. Based on the available evidence, this alteration is classified as likely pathogenic.

GeneDx
Classification: Likely pathogenic. Last evaluated: 2022-09-21. Review status: criteria provided, single submitter. Criteria: GeneDx Variant Classification Process June 2021. Collection method: clinical testing. Allele origin: germline. Affected: yes.
Comment: Identified in a siblings with progressive weakness, muscular atrophy, and a clinical diagnosis of Charcot-Marie-Tooth neuropathy inherited from their affected mother in the published literature (San Luis et al., 2022); Missense variants in this gene are often considered pathogenic (HGMD); In silico analysis supports that this missense variant has a deleterious effect on protein structure/function; Not observed in large population cohorts (gnomAD); This variant is associated with the following publications: (PMID: 27698851, 16227997, 30373780, 35993408)

CeGaT Center for Human Genetics Tuebingen
Classification: Likely pathogenic. Last evaluated: 2020-06-01. Review status: criteria provided, single submitter. Criteria: CeGaT Center For Human Genetics Tuebingen Variant Classification Criteria Version 2. Collection method: clinical testing. Allele origin: germline. Affected: yes. Observed: 1 variant allele.

Labcorp Genetics (formerly Invitae), Labcorp
Classification: Pathogenic for Charcot-Marie-Tooth disease dominant intermediate B. Last evaluated: 2020-02-29. Review status: criteria provided, single submitter. Criteria: Invitae Variant Classification Sherloc (09022015). Collection method: clinical testing. Allele origin: germline.
Comment: This sequence change replaces glycine with serine at codon 537 of the DNM2 protein (p.Gly537Ser). The glycine residue is highly conserved and there is a small physicochemical difference between glycine and serine. This variant is not present in population databases (ExAC no frequency). This variant has been observed in individual(s) with Charcot-Marie-Tooth disease (PMID: 30373780, Invitae). In at least one individual the variant was observed to be de novo. ClinVar contains an entry for this variant (Variation ID: 246295). Algorithms developed to predict the effect of missense changes on protein structure and function are either unavailable or do not agree on the potential impact of this missense change (SIFT: "Deleterious"; PolyPhen-2: "Probably Damaging"; Align-GVGD: "Class C0"). This variant disrupts the p.Gly537 amino acid residue in DNM2. Other variant(s) that disrupt this residue have been observed in individuals with DNM2-related conditions (PMID: 17636067), which suggests that this may be a clinically significant amino acid residue. For these reasons, this variant has been classified as Pathogenic.

Centre for Mendelian Genomics, University Medical Centre Ljubljana
Classification: Likely pathogenic for Sensorimotor neuropathy. Last evaluated: 2015-08-05. Review status: criteria provided, single submitter. Criteria: ACMG Guidelines, 2015. Collection method: clinical testing. Allele origin: unknown. Affected: yes.

Literature cited by the submitters: PubMed 30373780 (cited by Ambry Genetics and Labcorp Genetics (formerly Invitae), Labcorp); PubMed 35993408 (cited by Ambry Genetics); PubMed 17636067 (cited by Labcorp Genetics (formerly Invitae), Labcorp).

NM_001005361.3(DNM2):c.1609G>A (p.Gly537Ser)

Gene: DNM2 (dynamin 2; plus strand). Cytogenetic location: 19p13.2.
Variant type: single nucleotide variant.
Coding change: c.1609G>A on transcript NM_001005361.3 (MANE Select); coding-DNA position 1609, G replaced by A.
Protein change: p.Gly537Ser; replaces glycine 537 with serine.
Molecular consequence: missense variant.
Genome position (GRCh38, 1-based): chr19:10,812,315, G>A. VCF-style: chr19-10812315-G-A. GRCh37 (hg19) VCF-style: chr19-10922991-G-A.
Other names: c.1609G>A, p.Gly537Ser (NM_001005360.3, NM_001190716.2); c.1597G>A, p.Gly533Ser (NM_001005362.3, NM_004945.4); short protein forms G537S, G533S.
Identifiers: ClinVar variation 246295 (VCV000246295.55), dbSNP rs121909093, ClinGen allele CA10584607.
Genomic context (GRCh38, chr19:10,812,315, plus strand): 5'-TTCCCCCAGGTGATCCGCAGGGGCTGGCTGACCATCAACAACATCAGCCTGATGAAAGGC[G>A]GCTCCAAGGAGTACTGGTTTGTGCTGACTGCCGAGTCACTGTCCTGGTACAAGGATGAGG-3'
Protein context (NP_001005361.1, residues 527-547): TINNISLMKG[Gly537Ser]SKEYWFVLTA